The following is an entry in ClinVar:

ClinVar aggregate classification (germline): Pathogenic. Review status: criteria provided, single submitter (1 of 4 stars). 2 submissions from 2 submitters: Pathogenic (1). 1 of the submissions does not count toward it. Last evaluated 2025-05-13.

Conditions:
Neurofibromatosis, type 1 (NF1). Also called: Neurofibromatosis, type I; NEUROFIBROMATOSIS, TYPE I, SOMATIC; Peripheral type neurofibromatosis; VON RECKLINGHAUSEN DISEASE. Identifiers: Orphanet 636, MedGen C0027831, MONDO:0018975, OMIM 162200. Disease mechanism: loss of function.

Submissions (2):

GeneDx
Classification: Pathogenic. Last evaluated: 2025-05-13. Review status: criteria provided, single submitter. Criteria: GeneDx Variant Classification Process June 2021. Collection method: clinical testing. Allele origin: germline. Affected: yes.
Comment: Frameshift variant predicted to result in protein truncation or nonsense mediated decay in a gene for which loss of function is a known mechanism of disease; Not observed at significant frequency in large population cohorts (gnomAD); This variant is associated with the following publications: (PMID: 28961165)

Medical Genetics, University of Parma
Classification: Pathogenic for Neurofibromatosis type 1. Last evaluated: 2017-02-02. Review status: no assertion criteria provided. Collection method: clinical testing. Allele origin: germline. Affected: yes. Not counted in ClinVar's aggregate classification.

NM_001042492.3(NF1):c.6878del (p.Ala2293fs)

Gene: NF1 (neurofibromin 1; plus strand). Cytogenetic location: 17q11.2.
Variant type: Deletion.
Coding change: c.6878del on transcript NM_001042492.3 (MANE Select); coding-DNA position 6878, one base deleted (C; older notation c.6878delC).
Protein change: p.Ala2293fs; shifts the reading frame from alanine 2293.
Molecular consequence: frameshift variant.
Genome position (GRCh38, 1-based): chr17:31,338,762, C deleted. VCF-style (leftmost placement, unchanged base first): chr17-31338761-GC-G. GRCh37 (hg19) VCF-style: chr17-29665779-GC-G.
Other names: c.6815delC, p.Ala2272Valfs (NM_000267.4); c.6878delC, p.Ala2293Valfs (NM_001042492.2); short protein forms A2293fs, A2272fs.
Identifiers: ClinVar variation 431681 (VCV000431681.2), dbSNP rs1135402895, ClinGen allele CA645372614.